The following is an entry in ClinVar:

ClinVar aggregate classification (germline): Uncertain significance. Review status: criteria provided, multiple submitters, no conflicts (2 of 4 stars). 3 submissions from 3 submitters: Uncertain significance (3). Last evaluated 2024-03-24.

Conditions:
Hereditary cancer-predisposing syndrome. Also called: Tumor predisposition; Neoplastic Syndromes, Hereditary; Hereditary Cancer Syndrome; Hereditary neoplastic syndrome. Identifiers: Orphanet 140162, MedGen C0027672, MeSH D009386, MONDO:0015356.
Ataxia-telangiectasia syndrome (AT). Also called: ATAXIA-TELANGIECTASIA, FRESNO VARIANT; Ataxia-telangiectasia, complementation group D; AT, COMPLEMENTATION GROUP C; Ataxia-telangiectasia; Ataxia-telangiectasia, complementation group E; Ataxia telangiectasia (A-T). Identifiers: Orphanet 100, MedGen C0004135, MONDO:0008840, OMIM 208900.

Submissions (3):

GeneDx
Classification: Uncertain significance. Last evaluated: 2024-03-24. Review status: criteria provided, single submitter. Criteria: GeneDx Variant Classification Process June 2021. Collection method: clinical testing. Allele origin: germline. Affected: yes.
Comment: Not observed at significant frequency in large population cohorts (gnomAD); In silico analysis supports that this missense variant has a deleterious effect on protein structure/function; Has not been previously published as pathogenic or benign to our knowledge

Labcorp Genetics (formerly Invitae), Labcorp
Classification: Uncertain significance for Ataxia-telangiectasia syndrome. Last evaluated: 2021-07-26. Review status: criteria provided, single submitter. Criteria: Invitae Variant Classification Sherloc (09022015). Collection method: clinical testing. Allele origin: germline.
Comment: In summary, the available evidence is currently insufficient to determine the role of this variant in disease. Therefore, it has been classified as a Variant of Uncertain Significance. Advanced modeling of protein sequence and biophysical properties (such as structural, functional, and spatial information, amino acid conservation, physicochemical variation, residue mobility, and thermodynamic stability) performed at Invitae indicates that this missense variant is not expected to disrupt ATM protein function. This variant has not been reported in the literature in individuals with ATM-related conditions. This variant is not present in population databases (ExAC no frequency). This sequence change replaces proline with arginine at codon 37 of the ATM protein (p.Pro37Arg). The proline residue is highly conserved and there is a moderate physicochemical difference between proline and arginine.

Ambry Genetics
Classification: Uncertain significance for Hereditary cancer-predisposing syndrome. Last evaluated: 2020-07-17. Review status: criteria provided, single submitter. Criteria: Ambry Variant Classification Scheme 2023. Collection method: clinical testing. Allele origin: germline.
Comment: The p.P37R variant (also known as c.110C>G), located in coding exon 2 of the ATM gene, results from a C to G substitution at nucleotide position 110. The proline at codon 37 is replaced by arginine, an amino acid with dissimilar properties. This amino acid position is well conserved in available vertebrate species. In addition, this alteration is predicted to be tolerated by in silico analysis. Since supporting evidence is limited at this time, the clinical significance of this alteration remains unclear.

NM_000051.4(ATM):c.110C>G (p.Pro37Arg)

Gene: ATM (ATM serine/threonine kinase; plus strand). Cytogenetic location: 11q22.3.
Variant type: single nucleotide variant.
Coding change: c.110C>G on transcript NM_000051.4 (MANE Select); coding-DNA position 110, C replaced by G.
Protein change: p.Pro37Arg; replaces proline 37 with arginine.
Molecular consequence: missense variant.
Genome position (GRCh38, 1-based): chr11:108,227,813, C>G. VCF-style: chr11-108227813-C-G. GRCh37 (hg19) VCF-style: chr11-108098540-C-G.
Other names: c.110C>G, p.Pro37Arg (NM_001351834.2, NM_001351835.2, NM_001351836.2); short protein forms P37R.
Identifiers: ClinVar variation 1061613 (VCV001061613.12), dbSNP rs1591446947, ClinGen allele CA382519796.